The following is an entry in ClinVar:

ClinVar aggregate classification (germline): Uncertain significance (1 of 4 stars; one submission).

Allele frequency attached by ClinVar (database versions not stated): gnomAD exomes 0.00001; ExAC 0.00002; gnomAD 0.00002 and 0.00003; TOPMed 0.00002.
gnomAD v4.1: 6 of 1,589,514 alleles (0.00038%); highest among the groups gnomAD compares: African/African-American, 0.0081%; no homozygotes.

Submission:

Labcorp Genetics (formerly Invitae), Labcorp
Classification: Uncertain significance. Last evaluated: 2022-03-09. Review status: criteria provided, single submitter. Criteria: Invitae Variant Classification Sherloc (09022015). Collection method: clinical testing. Allele origin: germline.
Comment: In summary, the available evidence is currently insufficient to determine the role of this variant in disease. Therefore, it has been classified as a Variant of Uncertain Significance. Algorithms developed to predict the effect of missense changes on protein structure and function are either unavailable or do not agree on the potential impact of this missense change (SIFT: "Deleterious"; PolyPhen-2: "Probably Damaging"; Align-GVGD: "Class C0"). This variant has not been reported in the literature in individuals affected with TUBGCP6-related conditions. The frequency data for this variant in the population databases is considered unreliable, as metrics indicate poor data quality at this position in the gnomAD database. This sequence change replaces proline, which is neutral and non-polar, with leucine, which is neutral and non-polar, at codon 959 of the TUBGCP6 protein (p.Pro959Leu).

NM_020461.4(TUBGCP6):c.2876C>T (p.Pro959Leu)

Gene: TUBGCP6 (tubulin gamma complex component 6; minus strand). Cytogenetic location: 22q13.33.
Variant type: single nucleotide variant.
Coding change: c.2876C>T on transcript NM_020461.4 (MANE Select); coding-DNA position 2876, C replaced by T.
Protein change: p.Pro959Leu; replaces proline 959 with leucine.
Molecular consequence: missense variant.
Genome position (GRCh38, 1-based): chr22:50,221,483, G>A on the plus strand (C>T on the coding strand, the complement: TUBGCP6 is on the minus strand). VCF-style: chr22-50221483-G-A. GRCh37 (hg19) VCF-style: chr22-50659912-G-A.
Other names: short protein forms P959L.
Identifiers: ClinVar variation 1376042 (VCV001376042.6), dbSNP rs778832970, ClinGen allele CA10308099.
Genomic context (GRCh38, chr22:50,221,483, plus strand): 5'-CTGCCCAAGCTGCACTCTGCAGCCTGCAGGGGCCCTGGTGCAGGTGAGGTGGCCACAGCT[G>A]GCCTCAGGACAGTACTAAAGTCGTACTCCTGTGGCCTGGAGGGCTGAGTGCTGGCTGCTG-3'
Protein context (NP_065194.3, residues 949-969): QEYDFSTVLR[Pro959Leu]AVATSPAPGP